The following is an entry in ClinVar:

ClinVar aggregate classification (germline): Uncertain significance (1 of 4 stars; one submission).

Allele frequency attached by ClinVar (database versions not stated): gnomAD exomes below 0.00001.
gnomAD v4.1: 1 of 1,614,148 alleles (0.000062%); highest among the groups gnomAD compares: Non-Finnish European, 0.000085%; no homozygotes.

Submission:

Labcorp Genetics (formerly Invitae), Labcorp
Classification: Uncertain significance. Last evaluated: 2025-10-02. Review status: criteria provided, single submitter. Criteria: Invitae Variant Classification Sherloc (09022015). Collection method: clinical testing. Allele origin: germline.
Comment: This sequence change replaces glutamic acid, which is acidic and polar, with glycine, which is neutral and non-polar, at codon 1812 of the OTOF protein (p.Glu1812Gly). This variant is not present in population databases (gnomAD no frequency). This variant has not been reported in the literature in individuals affected with OTOF-related conditions. ClinVar contains an entry for this variant (Variation ID: 3003340). Invitae Evidence Modeling of protein sequence and biophysical properties (such as structural, functional, and spatial information, amino acid conservation, physicochemical variation, residue mobility, and thermodynamic stability) indicates that this missense variant is not expected to disrupt OTOF protein function with a negative predictive value of 80%. In summary, the available evidence is currently insufficient to determine the role of this variant in disease. Therefore, it has been classified as a Variant of Uncertain Significance.

NM_194248.3(OTOF):c.5435A>G (p.Glu1812Gly)

Gene: OTOF (otoferlin; minus strand). Cytogenetic location: 2p23.3.
Variant type: single nucleotide variant.
Coding change: c.5435A>G on transcript NM_194248.3 (MANE Select); coding-DNA position 5435, A replaced by G.
Protein change: p.Glu1812Gly; replaces glutamic acid 1812 with glycine.
Molecular consequence: missense variant.
Genome position (GRCh38, 1-based): chr2:26,461,794, T>C on the plus strand (A>G on the coding strand, the complement: OTOF is on the minus strand). VCF-style: chr2-26461794-T-C. GRCh37 (hg19) VCF-style: chr2-26684662-T-C.
Other names: c.5435A>G, p.Glu1812Gly (NM_001287489.2); c.3134A>G, p.Glu1045Gly (NM_004802.4, NM_194323.3); c.3365A>G, p.Glu1122Gly (NM_194322.3); short protein forms E1122G, E1812G, E1045G.
Identifiers: ClinVar variation 3003340 (VCV003003340.3), dbSNP rs2465497730, ClinGen allele CA346131458.